The following is an entry in ClinVar:

NM_000535.7(PMS2):c.1741A>G (p.Lys581Glu)

Gene: PMS2 (PMS1 homolog 2, mismatch repair system component; minus strand). Cytogenetic location: 7p22.1.
Variant type: single nucleotide variant.
Coding change: c.1741A>G on transcript NM_000535.7 (MANE Select); coding-DNA position 1741, A replaced by G.
Protein change: p.Lys581Glu; replaces lysine 581 with glutamic acid.
Molecular consequence: missense variant. On other transcripts: non-coding transcript variant (1).
Genome position (GRCh38, 1-based): chr7:5,987,024, T>C on the plus strand (A>G on the coding strand, the complement: PMS2 is on the minus strand). VCF-style: chr7-5987024-T-C. GRCh37 (hg19) VCF-style: chr7-6026655-T-C.
Other names: c.1336A>G, p.Lys446Glu (NM_001322003.2, NM_001322004.2, NM_001322005.2 and 1 more transcripts); c.1585A>G, p.Lys529Glu (NM_001322006.2); c.1423A>G, p.Lys475Glu (NM_001322007.2, NM_001322008.2); c.1180A>G, p.Lys394Glu (NM_001322010.2); c.808A>G, p.Lys270Glu (NM_001322011.2, NM_001322012.2); c.1168A>G, p.Lys390Glu (NM_001322013.2); c.1741A>G, p.Lys581Glu (NM_001322014.2); c.1432A>G, p.Lys478Glu (NM_001322015.2); short protein forms K270E, K390E, K394E, K446E, K475E, K478E, K529E, K581E.
Identifiers: ClinVar variation 1016843 (VCV001016843.9), dbSNP rs63750598, ClinGen allele CA153227749.
Genomic context (GRCh38, chr7:5,987,024, plus strand): 5'-ACATGTCCTGAGTATTTACTAACTTTTGACAAATGTCAGAACTGGAAAGAATTTCTTCTT[T>C]TTTAAAACGCTTTGTGTTTGGGGTTGCGAGATTAGTTGGCTGAGGCAAAACTCGAAATTT-3'
Protein context (NP_000526.2, residues 571-591): LATPNTKRFK[Lys581Glu]EEILSSSDIC

ClinVar aggregate classification (germline): Uncertain significance (1 of 4 stars; one submission).

Conditions:
Hereditary nonpolyposis colorectal neoplasms. Identifiers: MedGen C0009405, MeSH D003123.

Submission:

Labcorp Genetics (formerly Invitae), Labcorp
Classification: Uncertain significance for Hereditary nonpolyposis colorectal neoplasms. Last evaluated: 2020-02-04. Review status: criteria provided, single submitter. Criteria: Invitae Variant Classification Sherloc (09022015). Collection method: clinical testing. Allele origin: germline.
Comment: This sequence change replaces lysine with glutamic acid at codon 581 of the PMS2 protein (p.Lys581Glu). The lysine residue is weakly conserved and there is a small physicochemical difference between lysine and glutamic acid. This variant is not present in population databases (ExAC no frequency). This variant has not been reported in the literature in individuals with PMS2-related conditions. Algorithms developed to predict the effect of missense changes on protein structure and function (SIFT, PolyPhen-2, Align-GVGD) all suggest that this variant is likely to be tolerated, but these predictions have not been confirmed by published functional studies and their clinical significance is uncertain. In summary, the available evidence is currently insufficient to determine the role of this variant in disease. Therefore, it has been classified as a Variant of Uncertain Significance.